The following is an entry in ClinVar:

ClinVar aggregate classification (germline): Conflicting classifications of pathogenicity. Review status: criteria provided, conflicting classifications (1 of 4 stars). 4 submissions from 4 submitters: Pathogenic (1); Likely pathogenic (1); Uncertain significance (1). 1 of the submissions does not count toward it. Last evaluated 2025-06-05.

Conditions:
Respiratory ciliopathies including non-CF bronchiectasis.
Primary ciliary dyskinesia. Also called: Ciliary dyskinesia. Identifiers: Orphanet 244, MedGen C0008780, MONDO:0016575, HP:0012265.

Allele frequency attached by ClinVar (database versions not stated): ExAC below 0.00001; TOPMed below 0.00001; gnomAD exomes 0.00001.
gnomAD v4.1: 22 of 1,537,846 alleles (0.0014%); highest among the groups gnomAD compares: Non-Finnish European, 0.0019%; no homozygotes.

Submissions (4):

NHS Central & South Genomic Laboratory Hub
Classification: Likely pathogenic for Respiratory ciliopathies including non-CF bronchiectasis. Last evaluated: 2025-06-05. Review status: criteria provided, single submitter. Criteria: ACMG Guidelines, 2015. Collection method: clinical testing. Allele origin: germline. Affected: yes.

Labcorp Genetics (formerly Invitae), Labcorp
Classification: Pathogenic for Primary ciliary dyskinesia. Last evaluated: 2025-02-25. Review status: criteria provided, single submitter. Criteria: Invitae Variant Classification Sherloc (09022015). Collection method: clinical testing. Allele origin: germline.
Comment: This sequence change affects a donor splice site in intron 12 of the CCDC39 gene. It is expected to disrupt RNA splicing. Variants that disrupt the donor or acceptor splice site typically lead to a loss of protein function (PMID: 16199547), and loss-of-function variants in CCDC39 are known to be pathogenic (PMID: 21131972, 23255504). The frequency data for this variant in the population databases is considered unreliable, as metrics indicate poor data quality at this position in the gnomAD database. Disruption of this splice site has been observed in individual(s) with primary ciliary dyskinesia (internal data). ClinVar contains an entry for this variant (Variation ID: 575428). Algorithms developed to predict the effect of sequence changes on RNA splicing suggest that this variant may disrupt the consensus splice site. For these reasons, this variant has been classified as Pathogenic.

Blueprint Genetics
Classification: Uncertain significance. Last evaluated: 2020-02-12. Review status: criteria provided, single submitter. Criteria: ACMG Guidelines, 2015. Collection method: clinical testing. Allele origin: germline.

Yale Center for Mendelian Genomics, Yale University
Classification: Likely pathogenic for Primary ciliary dyskinesia. Last evaluated: 2018-08-01. Review status: no assertion criteria provided. Collection method: literature only. Allele origin: germline. Affected: yes. Observed: 1 compound heterozygote. Study: Yale Center for Mendelian Genomics. Not counted in ClinVar's aggregate classification.

Literature cited by the submitters: PubMed 16199547 (cited by Labcorp Genetics (formerly Invitae), Labcorp); PubMed 21131972 (cited by Labcorp Genetics (formerly Invitae), Labcorp); PubMed 23255504 (cited by Labcorp Genetics (formerly Invitae), Labcorp); PubMed 30067075 (cited by Yale Center for Mendelian Genomics, Yale University).

NM_181426.2(CCDC39):c.1665+1G>A

Gene: CCDC39 (coiled-coil domain 39 molecular ruler complex subunit; minus strand). Cytogenetic location: 3q26.33.
Variant type: single nucleotide variant.
Coding change: c.1665+1G>A on transcript NM_181426.2 (MANE Select); the canonical splice donor site of the intron after coding-DNA position 1665, G replaced by A.
Molecular consequence: splice donor variant.
Genome position (GRCh38, 1-based): chr3:180,644,119, C>T on the plus strand (G>A on the coding strand, the complement: CCDC39 is on the minus strand). VCF-style: chr3-180644119-C-T. GRCh37 (hg19) VCF-style: chr3-180361907-C-T.
Identifiers: ClinVar variation 575428 (VCV000575428.13), dbSNP rs753580394, ClinGen allele CA2715908.